The following is an entry in ClinVar:

ClinVar aggregate classification (germline): Uncertain significance (1 of 4 stars; one submission).

Allele frequency attached by ClinVar (database versions not stated): gnomAD exomes below 0.00001; TOPMed 0.00001.

Submission:

Labcorp Genetics (formerly Invitae), Labcorp
Classification: Uncertain significance. Last evaluated: 2022-02-25. Review status: criteria provided, single submitter. Criteria: Invitae Variant Classification Sherloc (09022015). Collection method: clinical testing. Allele origin: germline.
Comment: This sequence change replaces serine, which is neutral and polar, with proline, which is neutral and non-polar, at codon 560 of the MTPAP protein (p.Ser560Pro). This variant is not present in population databases (gnomAD no frequency). In summary, the available evidence is currently insufficient to determine the role of this variant in disease. Therefore, it has been classified as a Variant of Uncertain Significance. Algorithms developed to predict the effect of missense changes on protein structure and function are either unavailable or do not agree on the potential impact of this missense change (SIFT: "Deleterious"; PolyPhen-2: "Probably Damaging"; Align-GVGD: "Class C0"). This variant has not been reported in the literature in individuals affected with MTPAP-related conditions.

NM_018109.4(MTPAP):c.1678T>C (p.Ser560Pro)

Gene: MTPAP (mitochondrial poly(A) polymerase; minus strand). Cytogenetic location: 10p11.23.
Variant type: single nucleotide variant.
Coding change: c.1678T>C on transcript NM_018109.4 (MANE Select); coding-DNA position 1678, T replaced by C.
Protein change: p.Ser560Pro; replaces serine 560 with proline.
Molecular consequence: missense variant.
Genome position (GRCh38, 1-based): chr10:30,313,680, A>G on the plus strand (T>C on the coding strand, the complement: MTPAP is on the minus strand). VCF-style: chr10-30313680-A-G. GRCh37 (hg19) VCF-style: chr10-30602609-A-G.
Other names: short protein forms S560P.
Identifiers: ClinVar variation 2101781 (VCV002101781.4), dbSNP rs1041725318, ClinGen allele CA205300871.
Genomic context (GRCh38, chr10:30,313,680, plus strand): 5'-TACTAATTGTTCTCTTCCCACTGGTTTTTGTGAAATTTTCTGTTCTGTTACCTTTTAAAG[A>G]TTCTAGCAAGTTTTTGACTGTTTCAATTGCAAACTTATTGCTTTTCTTCTTGGTAAAGGA-3'
Protein context (NP_060579.3, residues 550-570): AIETVKNLLE[Ser560Pro]LKGNRTENFT